The following is an entry in ClinVar:

ClinVar aggregate classification (germline): Uncertain significance (1 of 4 stars; one submission).

Allele frequency attached by ClinVar (database versions not stated): gnomAD exomes below 0.00001.
gnomAD v4.1: 3 of 1,611,344 alleles (0.00019%); highest among the groups gnomAD compares: African/African-American, 0.0013%; no homozygotes.

Submission:

Labcorp Genetics (formerly Invitae), Labcorp
Classification: Uncertain significance. Last evaluated: 2022-02-09. Review status: criteria provided, single submitter. Criteria: Invitae Variant Classification Sherloc (09022015). Collection method: clinical testing. Allele origin: germline.
Comment: This sequence change replaces arginine, which is basic and polar, with tryptophan, which is neutral and slightly polar, at codon 663 of the TAOK2 protein (p.Arg663Trp). This variant is not present in population databases (gnomAD no frequency). This variant has not been reported in the literature in individuals affected with TAOK2-related conditions. Algorithms developed to predict the effect of missense changes on protein structure and function are either unavailable or do not agree on the potential impact of this missense change (SIFT: "Deleterious"; PolyPhen-2: "Probably Damaging"; Align-GVGD: "Class C15"). In summary, the available evidence is currently insufficient to determine the role of this variant in disease. Therefore, it has been classified as a Variant of Uncertain Significance.

NM_016151.4(TAOK2):c.1987C>T (p.Arg663Trp)

Gene: TAOK2 (TAO kinase 2; plus strand). Cytogenetic location: 16p11.2.
Variant type: single nucleotide variant.
Coding change: c.1987C>T on transcript NM_016151.4 (MANE Select); coding-DNA position 1987, C replaced by T.
Protein change: p.Arg663Trp; replaces arginine 663 with tryptophan.
Molecular consequence: missense variant.
Genome position (GRCh38, 1-based): chr16:29,985,856, C>T. VCF-style: chr16-29985856-C-T. GRCh37 (hg19) VCF-style: chr16-29997177-C-T.
Other names: c.1987C>T, p.Arg663Trp (NM_001252043.2, NM_004783.4); short protein forms R663W.
Identifiers: ClinVar variation 1518266 (VCV001518266.6), dbSNP rs1020575217, ClinGen allele CA280397842.
Genomic context (GRCh38, chr16:29,985,856, plus strand): 5'-TGTCGCCAGTACAAGCGCAAGATGTTGCTGGCTCGGCACAGCCTGGACCAGGACCTGCTG[C>T]GGGAGGTAGGCATCCCAATCTCTGTTCCCCTCCCGCTCACTCGTGGATCCCAGGGACCCA-3'
Protein context (NP_057235.2, residues 653-673): ARHSLDQDLL[Arg663Trp]EDLNKKQTQK